The following is an entry in ClinVar:

ClinVar aggregate classification (germline): Pathogenic. Review status: criteria provided, multiple submitters, no conflicts (2 of 4 stars). 3 submissions from 3 submitters: Pathogenic (2). 1 of the submissions does not count toward it. Last evaluated 2022-12-20.

Conditions:
ABCA4-related disorder. Also called: ABCA4-related disorders; ABCA4-related condition. Identifiers: MedGen CN239167.

gnomAD v4.1: 3 of 1,614,220 alleles (0.00019%); highest among the groups gnomAD compares: Non-Finnish European, 0.00025%; no homozygotes.

Submissions (3):

Labcorp Genetics (formerly Invitae), Labcorp
Classification: Pathogenic. Last evaluated: 2022-12-20. Review status: criteria provided, single submitter. Criteria: Invitae Variant Classification Sherloc (09022015). Collection method: clinical testing. Allele origin: germline.
Comment: For these reasons, this variant has been classified as Pathogenic. ClinVar contains an entry for this variant (Variation ID: 99098). This premature translational stop signal has been observed in individual(s) with Stargardt disease (PMID: 9973280). This variant is not present in population databases (gnomAD no frequency). This sequence change creates a premature translational stop signal (p.Tyr639*) in the ABCA4 gene. It is expected to result in an absent or disrupted protein product. Loss-of-function variants in ABCA4 are known to be pathogenic (PMID: 10958761, 24938718, 25312043, 26780318).

Blueprint Genetics
Classification: Pathogenic for ABCA4-related disorders. Last evaluated: 2019-03-28. Review status: criteria provided, single submitter. Criteria: ACMG Guidelines, 2015. Collection method: clinical testing. Allele origin: germline. Affected: yes. Observed: 4 variant alleles.

Retina International
No classification provided. Review status: no classification provided. Collection method: not provided. Allele origin: not provided. Not counted in ClinVar's aggregate classification.

Literature cited by the submitters: PubMed 9973280 (cited by Labcorp Genetics (formerly Invitae), Labcorp); PubMed 10958761 (cited by Labcorp Genetics (formerly Invitae), Labcorp); PubMed 24938718 (cited by Labcorp Genetics (formerly Invitae), Labcorp); PubMed 25312043 (cited by Labcorp Genetics (formerly Invitae), Labcorp); PubMed 26780318 (cited by Labcorp Genetics (formerly Invitae), Labcorp).

NM_000350.3(ABCA4):c.1917C>A (p.Tyr639Ter)

Gene: ABCA4 (ATP binding cassette subfamily A member 4; minus strand). Cytogenetic location: 1p22.1.
Variant type: single nucleotide variant.
Coding change: c.1917C>A on transcript NM_000350.3 (MANE Select); coding-DNA position 1917, C replaced by A.
Protein change: p.Tyr639Ter; replaces tyrosine 639 with a stop codon.
Molecular consequence: nonsense.
Genome position (GRCh38, 1-based): chr1:94,062,597, G>T on the plus strand (C>A on the coding strand, the complement: ABCA4 is on the minus strand). VCF-style: chr1-94062597-G-T. GRCh37 (hg19) VCF-style: chr1-94528153-G-T.
Other names: c.1917C>A, p.Tyr639Ter (NM_001425324.1); short protein forms Y639*.
Identifiers: ClinVar variation 99098 (VCV000099098.13), dbSNP rs61749415, ClinGen allele CA226952.